The following is an entry in ClinVar:

NM_018137.3(PRMT6):c.25C>G (p.Leu9Val)

Gene: PRMT6 (protein arginine methyltransferase 6; plus strand). Cytogenetic location: 1p13.3.
Variant type: single nucleotide variant.
Coding change: c.25C>G on transcript NM_018137.3 (MANE Select); coding-DNA position 25, C replaced by G.
Protein change: p.Leu9Val; replaces leucine 9 with valine.
Molecular consequence: missense variant.
Genome position (GRCh38, 1-based): chr1:107,056,740, C>G. VCF-style: chr1-107056740-C-G. GRCh37 (hg19) VCF-style: chr1-107599362-C-G.
Other names: short protein forms L9V.
Identifiers: ClinVar variation 3042273 (VCV003042273.2), dbSNP rs539124873, ClinGen allele CA977195.

ClinVar aggregate classification (germline): Likely benign (0 of 4 stars; one submission).

Conditions:
PRMT6-related disorder. Also called: PRMT6-related condition.

Allele frequency attached by ClinVar (database versions not stated): ExAC 0.00066; 1000 Genomes Project 30x 0.00078; 1000 Genomes Project 0.00080; gnomAD 0.00113; TOPMed 0.00135.

Submission:

PreventionGenetics, part of Exact Sciences
Classification: Likely benign for PRMT6-related condition. Last evaluated: 2023-01-03. Review status: no assertion criteria provided. Collection method: clinical testing. Allele origin: germline.
Comment: This variant is classified as likely benign based on ACMG/AMP sequence variant interpretation guidelines (Richards et al. 2015 PMID: 25741868, with internal and published modifications).